The following is an entry in ClinVar:

ClinVar aggregate classification (germline): Uncertain significance. Review status: criteria provided, multiple submitters, no conflicts (2 of 4 stars). 2 submissions from 2 submitters: Uncertain significance (2). Last evaluated 2026-02-13.

Conditions:
Bloom syndrome (BLM). Also called: Bloom-Torre-Machacek syndrome. Identifiers: Orphanet 125, MedGen C0005859, MONDO:0008876, OMIM 210900.
Hereditary cancer-predisposing syndrome. Also called: Neoplastic Syndromes, Hereditary; Tumor predisposition; Hereditary Cancer Syndrome; Hereditary neoplastic syndrome. Identifiers: Orphanet 140162, MedGen C0027672, MeSH D009386, MONDO:0015356.

Submissions (2):

Ambry Genetics
Classification: Uncertain significance for Hereditary cancer-predisposing syndrome. Last evaluated: 2026-02-13. Review status: criteria provided, single submitter. Criteria: Ambry Variant Classification Scheme 2023. Collection method: clinical testing. Allele origin: germline.
Comment: The p.G1134V variant (also known as c.3401G>T), located in coding exon 17 of the BLM gene, results from a G to T substitution at nucleotide position 3401. The glycine at codon 1134 is replaced by valine, an amino acid with dissimilar properties. This amino acid position is conserved. In addition, this alteration is predicted to be deleterious by in silico analysis. Based on the available evidence, the clinical significance of this variant remains unclear.

Labcorp Genetics (formerly Invitae), Labcorp
Classification: Uncertain significance for Bloom syndrome. Last evaluated: 2025-03-02. Review status: criteria provided, single submitter. Criteria: Invitae Variant Classification Sherloc (09022015). Collection method: clinical testing. Allele origin: germline.
Comment: This sequence change replaces glycine, which is neutral and non-polar, with valine, which is neutral and non-polar, at codon 1134 of the BLM protein (p.Gly1134Val). This variant is not present in population databases (gnomAD no frequency). This variant has not been reported in the literature in individuals affected with BLM-related conditions. Invitae Evidence Modeling of protein sequence and biophysical properties (such as structural, functional, and spatial information, amino acid conservation, physicochemical variation, residue mobility, and thermodynamic stability) indicates that this missense variant is expected to disrupt BLM protein function with a positive predictive value of 80%. In summary, the available evidence is currently insufficient to determine the role of this variant in disease. Therefore, it has been classified as a Variant of Uncertain Significance.

NM_000057.4(BLM):c.3401G>T (p.Gly1134Val)

Gene: BLM (BLM RecQ like helicase; plus strand). Cytogenetic location: 15q26.1.
Variant type: single nucleotide variant.
Coding change: c.3401G>T on transcript NM_000057.4 (MANE Select); coding-DNA position 3401, G replaced by T.
Protein change: p.Gly1134Val; replaces glycine 1134 with valine.
Molecular consequence: missense variant. On other transcripts: intron variant (1).
Genome position (GRCh38, 1-based): chr15:90,803,563, G>T. VCF-style: chr15-90803563-G-T. GRCh37 (hg19) VCF-style: chr15-91346793-G-T.
Other names: c.3401G>T, p.Gly1134Val (NM_001287246.2); c.2276G>T, p.Gly759Val (NM_001287248.2); c.3358+5226G>T (NM_001287247.2); short protein forms G1134V, G759V.
Identifiers: ClinVar variation 4695563 (VCV004695563.2).